The following is an entry in ClinVar:

NM_001382273.1(TNK2):c.2275C>G (p.Pro759Ala)

Gene: TNK2 (tyrosine kinase non receptor 2; minus strand). Cytogenetic location: 3q29.
Variant type: single nucleotide variant.
Coding change: c.2275C>G on transcript NM_001382273.1 (MANE Select); coding-DNA position 2275, C replaced by G.
Protein change: p.Pro759Ala; replaces proline 759 with alanine.
Molecular consequence: missense variant. On other transcripts: non-coding transcript variant (15).
Genome position (GRCh38, 1-based): chr3:195,868,023, G>C on the plus strand (C>G on the coding strand, the complement: TNK2 is on the minus strand). VCF-style: chr3-195868023-G-C. GRCh37 (hg19) VCF-style: chr3-195594894-G-C.
Other names: c.2230C>G, p.Pro744Ala (NM_005781.5, NM_001386164.1, NM_001387709.1 and 8 more transcripts); c.2347C>G, p.Pro783Ala (NM_001010938.2, NM_001382272.1); c.2326C>G, p.Pro776Ala (NM_001308046.2, NM_001382271.1); c.2275C>G, p.Pro759Ala (NM_001382274.1, NM_001387716.1, NM_001387717.1 and 1 more transcripts); c.2371C>G, p.Pro791Ala (NM_001382275.1, NM_001387707.1); c.2302C>G, p.Pro768Ala (NM_001387708.1, NM_001387715.1); short protein forms P783A, P759A, P768A, P776A, P791A, P744A.
Identifiers: ClinVar variation 3703097 (VCV003703097.2).

ClinVar aggregate classification (germline): Uncertain significance (1 of 4 stars; one submission).

gnomAD v4.1: 14 of 1,585,466 alleles (0.00088%); highest among the groups gnomAD compares: Admixed American, 0.018%; no homozygotes.

Submission:

Labcorp Genetics (formerly Invitae), Labcorp
Classification: Uncertain significance. Last evaluated: 2024-08-04. Review status: criteria provided, single submitter. Criteria: Invitae Variant Classification Sherloc (09022015). Collection method: clinical testing. Allele origin: germline.
Comment: This sequence change replaces proline, which is neutral and non-polar, with alanine, which is neutral and non-polar, at codon 822 of the TNK2 protein (p.Pro822Ala). This variant is present in population databases (rs749048241, gnomAD 0.03%). This variant has not been reported in the literature in individuals affected with TNK2-related conditions. An algorithm developed to predict the effect of missense changes on protein structure and function (PolyPhen-2) suggests that this variant is likely to be disruptive. In summary, the available evidence is currently insufficient to determine the role of this variant in disease. Therefore, it has been classified as a Variant of Uncertain Significance.